The following is an entry in ClinVar:

ClinVar aggregate classification (germline): Uncertain significance (1 of 4 stars; one submission).

Conditions:
Axenfeld-Rieger syndrome type 3 (RIEG3). Also called: AXENFELD-RIEGER ANOMALY WITH CARDIAC DEFECTS AND/OR SENSORINEURAL HEARING LOSS. Identifiers: Orphanet 782, MedGen C2678503, MONDO:0011233, OMIM 602482.

Allele frequency attached by ClinVar (database versions not stated): gnomAD exomes below 0.00001.

Submission:

Labcorp Genetics (formerly Invitae), Labcorp
Classification: Uncertain significance for Axenfeld-Rieger syndrome type 3. Last evaluated: 2023-03-24. Review status: criteria provided, single submitter. Criteria: Invitae Variant Classification Sherloc (09022015). Collection method: clinical testing. Allele origin: germline.
Comment: This sequence change replaces alanine, which is neutral and non-polar, with valine, which is neutral and non-polar, at codon 94 of the FOXC1 protein (p.Ala94Val). This variant is not present in population databases (gnomAD no frequency). This variant has not been reported in the literature in individuals affected with FOXC1-related conditions. An algorithm developed to predict the effect of missense changes on protein structure and function (PolyPhen-2) suggests that this variant is likely to be disruptive. In summary, the available evidence is currently insufficient to determine the role of this variant in disease. Therefore, it has been classified as a Variant of Uncertain Significance.

NM_001453.3(FOXC1):c.281C>T (p.Ala94Val)

Genes: FOXC1 (forkhead box C1; plus strand), LOC129995601 (ATAC-STARR-seq lymphoblastoid active region 23864; plus strand). Cytogenetic location: 6p25.3.
Variant type: single nucleotide variant.
Coding change: c.281C>T on transcript NM_001453.3 (MANE Select); coding-DNA position 281, C replaced by T.
Protein change: p.Ala94Val; replaces alanine 94 with valine.
Molecular consequence: missense variant.
Genome position (GRCh38, 1-based): chr6:1,610,726, C>T. VCF-style: chr6-1610726-C-T. GRCh37 (hg19) VCF-style: chr6-1610961-C-T.
Other names: short protein forms A94V.
Identifiers: ClinVar variation 2808326 (VCV002808326.3), dbSNP rs1581373679, ClinGen allele CA362558470.